The following is an entry in ClinVar:

ClinVar aggregate classification (germline): Uncertain significance (1 of 4 stars; one submission).

Conditions:
Hereditary cancer-predisposing syndrome. Also called: Hereditary Cancer Syndrome; Hereditary neoplastic syndrome; Neoplastic Syndromes, Hereditary; Tumor predisposition. Identifiers: Orphanet 140162, MedGen C0027672, MeSH D009386, MONDO:0015356.

Submission:

Ambry Genetics
Classification: Uncertain significance for Hereditary cancer-predisposing syndrome. Last evaluated: 2022-03-01. Review status: criteria provided, single submitter. Criteria: Ambry Variant Classification Scheme 2023. Collection method: clinical testing. Allele origin: germline.
Comment: The p.D460E variant (also known as c.1380C>G), located in coding exon 7 of the RET gene, results from a C to G substitution at nucleotide position 1380. The aspartic acid at codon 460 is replaced by glutamic acid, an amino acid with highly similar properties. This amino acid position is conserved. In addition, this alteration is predicted to be tolerated by in silico analysis. Since supporting evidence is limited at this time, the clinical significance of this alteration remains unclear.

NM_020975.6(RET):c.1380C>G (p.Asp460Glu)

Gene: RET (ret proto-oncogene; plus strand). Cytogenetic location: 10q11.21.
Variant type: single nucleotide variant.
Coding change: c.1380C>G on transcript NM_020975.6 (MANE Select); coding-DNA position 1380, C replaced by G.
Protein change: p.Asp460Glu; replaces aspartic acid 460 with glutamic acid.
Molecular consequence: missense variant.
Genome position (GRCh38, 1-based): chr10:43,111,323, C>G. VCF-style: chr10-43111323-C-G. GRCh37 (hg19) VCF-style: chr10-43606771-C-G.
Other names: c.1380C>G, p.Asp460Glu (NM_000323.2, NM_001406743.1, NM_001406744.1 and 6 more transcripts); c.618C>G, p.Asp206Glu (NM_001355216.2); c.1251C>G, p.Asp417Glu (NM_001406761.1, NM_001406762.1, NM_001406764.1 and 1 more transcripts); c.1092C>G, p.Asp364Glu (NM_001406766.1, NM_001406767.1, NM_001406770.1); c.984C>G, p.Asp328Glu (NM_001406769.1, NM_001406772.1); c.942C>G, p.Asp314Glu (NM_001406771.1, NM_001406773.1); c.855C>G, p.Asp285Glu (NM_001406774.1); c.654C>G, p.Asp218Glu (NM_001406775.1, NM_001406776.1, NM_001406777.1 and 1 more transcripts); and 1 more; short protein forms D417E, D206E, D328E, D364E, D460E, D130E, D285E, D314E.
Identifiers: ClinVar variation 1771277 (VCV001771277.2), dbSNP rs2132769875, ClinGen allele CA376549304.